The following is an entry in ClinVar:

NM_001048174.2(MUTYH):c.1170G>T (p.Lys390Asn)

Gene: MUTYH (mutY DNA glycosylase; minus strand). Cytogenetic location: 1p34.1.
Variant type: single nucleotide variant.
Coding change: c.1170G>T on transcript NM_001048174.2 (MANE Select); coding-DNA position 1170, G replaced by T.
Protein change: p.Lys390Asn; replaces lysine 390 with asparagine.
Molecular consequence: missense variant. On other transcripts: non-coding transcript variant (7).
Genome position (GRCh38, 1-based): chr1:45,331,489, C>A on the plus strand (G>T on the coding strand, the complement: MUTYH is on the minus strand). VCF-style: chr1-45331489-C-A. GRCh37 (hg19) VCF-style: chr1-45797161-C-A.
Other names: c.1254G>T, p.Lys418Asn (NM_001128425.2); c.1215G>T, p.Lys405Asn (NM_001293190.2); c.1203G>T, p.Lys401Asn (NM_001293191.2, NM_001407069.1, NM_001407077.1); c.894G>T, p.Lys298Asn (NM_001293192.2, NM_001293196.2, NM_001407091.1); c.1170G>T, p.Lys390Asn (NM_001293195.2, NM_001407088.1, NM_001407089.1 and 6 more transcripts); c.825G>T, p.Lys275Asn (NM_001350650.2, NM_001350651.2, NM_001407082.1); c.1212G>T, p.Lys404Asn (NM_001407083.1, NM_001407085.1); c.1173G>T, p.Lys391Asn (NM_001407086.1, NM_001048172.2, NM_001407071.1 and 1 more transcripts); and 5 more; short protein forms K391N, K415N, K275N, K376N, K404N, K405N, K362N, K401N.
Identifiers: ClinVar variation 4113135 (VCV004113135.1).

ClinVar aggregate classification (germline): Uncertain significance (1 of 4 stars; one submission).

Conditions:
Hereditary cancer-predisposing syndrome. Also called: Tumor predisposition; Neoplastic Syndromes, Hereditary; Hereditary neoplastic syndrome; Hereditary Cancer Syndrome. Identifiers: Orphanet 140162, MedGen C0027672, MeSH D009386, MONDO:0015356.

Submission:

Ambry Genetics
Classification: Uncertain significance for Hereditary cancer-predisposing syndrome. Last evaluated: 2025-08-27. Review status: criteria provided, single submitter. Criteria: Ambry Variant Classification Scheme 2023. Collection method: clinical testing. Allele origin: germline.
Comment: The p.K418N variant (also known as c.1254G>T), located in coding exon 13 of the MUTYH gene, results from a G to T substitution at nucleotide position 1254. The lysine at codon 418 is replaced by asparagine, an amino acid with similar properties. This amino acid position is conserved. In addition, this alteration is predicted to be tolerated by in silico analysis. Based on the available evidence, the clinical significance of this variant remains unclear.